The following is an entry in ClinVar:

ClinVar aggregate classification (germline): Pathogenic/Likely pathogenic. Review status: criteria provided, multiple submitters, no conflicts (2 of 4 stars). 4 submissions from 4 submitters: Pathogenic (3); Likely pathogenic (1). Last evaluated 2023-03-22.

Conditions:
Tuberous sclerosis 2 (TSC2). Identifiers: Orphanet 805, MedGen C1860707, MONDO:0013199, OMIM 613254.

Submissions (4):

GeneDx
Classification: Likely pathogenic. Last evaluated: 2023-03-22. Review status: criteria provided, single submitter. Criteria: GeneDx Variant Classification Process June 2021. Collection method: clinical testing. Allele origin: germline. Affected: yes.
Comment: In silico analysis supports that this missense variant has a deleterious effect on protein structure/function; Not observed at significant frequency in large population cohorts (gnomAD); A different missense change at this residue (V1646G) has been reported in the published literature (Coevoets et al., 2009; Hoogeveen-Westerveld et al., 2011); This variant is associated with the following publications: (PMID: 18466115, 34992632, 32461669, 21309039, 18854862)

Labcorp Genetics (formerly Invitae), Labcorp
Classification: Pathogenic for Tuberous sclerosis 2. Last evaluated: 2022-11-01. Review status: criteria provided, single submitter. Criteria: Invitae Variant Classification Sherloc (09022015). Collection method: clinical testing. Allele origin: germline.
Comment: Advanced modeling of protein sequence and biophysical properties (such as structural, functional, and spatial information, amino acid conservation, physicochemical variation, residue mobility, and thermodynamic stability) has been performed at Invitae for this missense variant, however the output from this modeling did not meet the statistical confidence thresholds required to predict the impact of this variant on TSC2 protein function. ClinVar contains an entry for this variant (Variation ID: 424444). This missense change has been observed in individual(s) with clinical features of tuberous sclerosis complex (PMID: 21520333; Invitae). In at least one individual the variant was observed to be de novo. This variant is not present in population databases (gnomAD no frequency). This sequence change replaces valine, which is neutral and non-polar, with methionine, which is neutral and non-polar, at codon 1646 of the TSC2 protein (p.Val1646Met). For these reasons, this variant has been classified as Pathogenic.

Genome-Nilou Lab
Classification: Pathogenic for Tuberous sclerosis 2. Last evaluated: 2021-11-07. Review status: criteria provided, single submitter. Criteria: ACMG Guidelines, 2015. Collection method: clinical testing. Allele origin: germline. Affected: no.

3billion
Classification: Pathogenic for Tuberous sclerosis 2. Review status: criteria provided, single submitter. Criteria: ACMG Guidelines, 2015. Collection method: clinical testing. Allele origin: unknown. Affected: yes. Observed: 1 heterozygote.
Comment: The variant is not observed in the gnomAD v2.1.1 dataset. In silico tool predictions suggest damaging effect of the variant on gene or gene product (REVEL: 0.90; 3Cnet: 0.88). Same nucleotide change resulting in same amino acid change (ClinVar ID: VCV000424444 / PMID: 32461669) and different missense changes at the same codon (p.Val1646Gly, p.Val1646Leu / ClinVar ID: VCV001472268, VCV001490108 / PMID: 18854862) have been previously reported as pathogenic/likely pathogenic with strong evidence. The variant has been observed in at least two similarly affected unrelated individuals (PMID: 32461669, 34992632). The variant has been previously reported as assumed (i.e. paternity and maternity not confirmed) de novo in at least one similarly affected unrelated individual (PMID: 34992632). Therefore, this variant is classified as Pathogenic according to the recommendation of ACMG/AMP guideline.

Literature cited by the submitters: PubMed 21520333 (cited by Labcorp Genetics (formerly Invitae), Labcorp); PubMed 32461669 (cited by 3billion); PubMed 18854862 (cited by 3billion); PubMed 34992632 (cited by 3billion).

NM_000548.5(TSC2):c.4936G>A (p.Val1646Met)

Gene: TSC2 (TSC complex subunit 2; plus strand). Cytogenetic location: 16p13.3.
Variant type: single nucleotide variant.
Coding change: c.4936G>A on transcript NM_000548.5 (MANE Select); coding-DNA position 4936, G replaced by A.
Protein change: p.Val1646Met; replaces valine 1646 with methionine.
Molecular consequence: missense variant.
Genome position (GRCh38, 1-based): chr16:2,086,818, G>A. VCF-style: chr16-2086818-G-A. GRCh37 (hg19) VCF-style: chr16-2136819-G-A.
Other names: c.4735G>A, p.Val1579Met (NM_001077183.3); c.4867G>A, p.Val1623Met (NM_001114382.3); c.4627G>A, p.Val1543Met (NM_001318827.2); c.4591G>A, p.Val1531Met (NM_001318829.2); c.4204G>A, p.Val1402Met (NM_001318831.2); c.4768G>A, p.Val1590Met (NM_001318832.2); c.4738G>A, p.Val1580Met (NM_001363528.2); c.4804G>A, p.Val1602Met (NM_001370404.1); and 1 more; short protein forms V1646M, V1602M, V1531M, V1623M, V1579M, V1580M, V1603M, V1402M.
Identifiers: ClinVar variation 424444 (VCV000424444.15), dbSNP rs1064796970, ClinGen allele CA16620103.
Genomic context (GRCh38, chr16:2,086,818, plus strand): 5'-CCCACCAAGGACGTGGACAAGCACCGCTGCGACAAGAAGCGCCACCTGGGCAACGACTTT[G>A]TGTCCATTGTCTACAATGACTCCGGTGAGGACTTCAAGCTTGGCACCATCAAGGTGAGTG-3'
Protein context (NP_000539.2, residues 1636-1656): DKKRHLGNDF[Val1646Met]SIVYNDSGED